The following is an entry in ClinVar:

NM_001754.5(RUNX1):c.957_958insG (p.Arg320fs)

Gene: RUNX1 (RUNX family transcription factor 1; minus strand). Cytogenetic location: 21q22.12.
Variant type: Insertion.
Coding change: c.957_958insG on transcript NM_001754.5 (MANE Select); coding-DNA positions 957 to 958, G inserted.
Protein change: p.Arg320fs; shifts the reading frame from arginine 320.
Molecular consequence: frameshift variant.
Genome position: GRCh38 VCF-style: chr21-34799310-G-GC. GRCh37 (hg19) VCF-style: chr21-36171607-G-GC.
Other names: NM_001754.5(RUNX1):c.957_958insG; p.Arg320fs; c.876_877insG, p.Arg293fs (NM_001001890.3); short protein forms R293fs, R320fs.
Identifiers: ClinVar variation 1323540 (VCV001323540.6), dbSNP rs2145907149, ClinGen allele CA2573054927.

ClinVar aggregate classification (germline): Likely pathogenic. Review status: reviewed by expert panel (3 of 4 stars). 2 submissions from 2 submitters: Likely pathogenic (1). 1 of the submissions does not count toward it. Last evaluated 2026-10-02.

Conditions:
Hereditary thrombocytopenia and hematologic cancer predisposition syndrome. Identifiers: Orphanet 71290, MedGen CN281654, MONDO:0011071.

Submissions (2):

ClinGen Myeloid Malignancy Variant Curation Expert Panel
Classification: Likely pathogenic for Hereditary thrombocytopenia and hematologic cancer predisposition syndrome. Last evaluated: 2026-10-02. Review status: reviewed by expert panel. Criteria: ClinGen MyeloMalig ACMG Specifications V3.1. Collection method: curation. Allele origin: germline. Inheritance: Autosomal dominant inheritance.
Comment: NM_001754.5(RUNX1):c.957_958insG (p.Arg320fs) is a frameshift variant which is not predicted to undergo NMD (PVS1_Strong). This variant is downstream of c.98 (PM5_Supporting) and is completely absent from all population databases with at least 20x coverage for RUNX1 (PM2_Supporting). In summary, this variant meets criteria to be classified as likely pathogenic. ACMG/AMP criteria applied, as specified by the ClinGen Myeloid Malignancy Variant Curation Expert Panel for RUNX1: PVS1_Strong, PM5_Supporting, PM2_Supporting.

Revvity Omics, Revvity
Classification: Pathogenic. Last evaluated: 2019-07-23. Review status: criteria provided, single submitter. Criteria: ACMG Guidelines, 2015. Collection method: clinical testing. Allele origin: germline. Not counted in ClinVar's aggregate classification.